The following is an entry in ClinVar:

ClinVar aggregate classification (germline): Uncertain significance (1 of 4 stars; one submission).

Submission:

Labcorp Genetics (formerly Invitae), Labcorp
Classification: Uncertain significance. Last evaluated: 2022-05-30. Review status: criteria provided, single submitter. Criteria: Invitae Variant Classification Sherloc (09022015). Collection method: clinical testing. Allele origin: germline.
Comment: This sequence change replaces valine, which is neutral and non-polar, with alanine, which is neutral and non-polar, at codon 515 of the CAMK2B protein (p.Val515Ala). This variant is not present in population databases (gnomAD no frequency). This variant has not been reported in the literature in individuals affected with CAMK2B-related conditions. Algorithms developed to predict the effect of missense changes on protein structure and function output the following: SIFT: "Deleterious"; PolyPhen-2: "Benign"; Align-GVGD: "Class C55". The alanine amino acid residue is found in multiple mammalian species, which suggests that this missense change does not adversely affect protein function. In summary, the available evidence is currently insufficient to determine the role of this variant in disease. Therefore, it has been classified as a Variant of Uncertain Significance.

NM_001220.5(CAMK2B):c.1544T>C (p.Val515Ala)

Gene: CAMK2B (calcium/calmodulin dependent protein kinase II beta; minus strand). Cytogenetic location: 7p13.
Variant type: single nucleotide variant.
Coding change: c.1544T>C on transcript NM_001220.5 (MANE Select); coding-DNA position 1544, T replaced by C.
Protein change: p.Val515Ala; replaces valine 515 with alanine.
Molecular consequence: missense variant. On other transcripts: intron variant (8).
Genome position (GRCh38, 1-based): chr7:44,226,569, A>G on the plus strand (T>C on the coding strand, the complement: CAMK2B is on the minus strand). VCF-style: chr7-44226569-A-G. GRCh37 (hg19) VCF-style: chr7-44266168-A-G.
Other names: c.947-5668T>C (NM_172084.3); c.1150+4437T>C (NM_172080.3); c.1036+4437T>C (NM_172083.3); c.1108+4437T>C (NM_172081.3); c.1153+4437T>C (NM_172079.3, NM_172082.3); c.1225+4437T>C (NM_001293170.2, NM_172078.3); short protein forms V515A.
Identifiers: ClinVar variation 2001098 (VCV002001098.4), dbSNP rs766781890, ClinGen allele CA157915433.